The following is an entry in ClinVar:

NM_001164507.2(NEB):c.21366C>T (p.Val7122=)

Genes: NEB (nebulin; minus strand), RIF1 (replication timing regulatory factor 1; plus strand). Cytogenetic location: 2q23.3.
Variant type: single nucleotide variant.
Coding change: c.21366C>T on transcript NM_001164507.2 (MANE Plus Clinical); coding-DNA position 21366, C replaced by T.
Protein change: p.Val7122=; no amino-acid change (valine 7122 retained).
Molecular consequence: synonymous variant. On other transcripts: intron variant (1).
Genome position (GRCh38, 1-based): chr2:151,534,266, G>A on the plus strand (C>T on the coding strand, the complement: NEB is on the minus strand). VCF-style: chr2-151534266-G-A. GRCh37 (hg19) VCF-style: chr2-152390780-G-A.
Other names: c.21366C>T, p.Val7122= (NM_001271208.2); c.16263C>T, p.Val5421= (NM_004543.5); c.21313-720C>T (NM_001164508.2).
Identifiers: ClinVar variation 1147050 (VCV001147050.18), dbSNP rs1159922407, ClinGen allele CA536639174.

ClinVar aggregate classification (germline): Likely benign. Review status: criteria provided, multiple submitters, no conflicts (2 of 4 stars). 2 submissions from 2 submitters: Likely benign (2). Last evaluated 2025-06-01.

Conditions:
Nemaline myopathy 2 (NEM2). Also called: Nemaline myopathy 2, autosomal recessive. Identifiers: MedGen C1850569, MONDO:0009725, OMIM 256030.

Allele frequency attached by ClinVar (database versions not stated): gnomAD exomes below 0.00001 and 0.00001.
gnomAD v4.1: 6 of 1,613,676 alleles (0.00037%); highest among the groups gnomAD compares: African/African-American, 0.0013%; no homozygotes.

Submissions (2):

CeGaT Center for Human Genetics Tuebingen
Classification: Likely benign. Last evaluated: 2025-06-01. Review status: criteria provided, single submitter. Criteria: CeGaT Center For Human Genetics Tuebingen Variant Classification Criteria Version 2. Collection method: clinical testing. Allele origin: germline. Affected: yes. Observed: 1 variant allele.
Comment: NEB: BP4, BP7

Labcorp Genetics (formerly Invitae), Labcorp
Classification: Likely benign for Nemaline myopathy 2. Last evaluated: 2023-12-18. Review status: criteria provided, single submitter. Criteria: Invitae Variant Classification Sherloc (09022015). Collection method: clinical testing. Allele origin: germline.